The following is an entry in ClinVar:

ClinVar aggregate classification (germline): Uncertain significance. Review status: criteria provided, multiple submitters, no conflicts (2 of 4 stars). 2 submissions from 2 submitters: Uncertain significance (2). Last evaluated 2025-01-06.

Conditions:
Hemolytic anemia due to glutathione reductase deficiency (CNSHA10). Also called: ANEMIA, CONGENITAL, NONSPHEROCYTIC HEMOLYTIC, 10. Identifiers: Orphanet 90030, MedGen C5231513, MONDO:0019531, OMIM 618660.

Allele frequency attached by ClinVar (database versions not stated): gnomAD 0.00003; TOPMed 0.00004; gnomAD exomes 0.00006.
gnomAD v4.1: 76 of 1,344,174 alleles (0.0057%); highest among the groups gnomAD compares: Non-Finnish European, 0.0069%; no homozygotes.

Submissions (2):

ARUP Laboratories, Molecular Genetics and Genomics, ARUP Laboratories
Classification: Uncertain significance for Hemolytic anemia due to glutathione reductase deficiency. Last evaluated: 2025-01-06. Review status: criteria provided, single submitter. Criteria: ARUP Molecular Germline Variant Investigation Process 2024. Collection method: clinical testing. Allele origin: germline.
Comment: The GSR c.47G>T; p.Trp16Leu variant (rs952867737), to our knowledge, is not reported in the medical literature but is reported in ClinVar (Variation ID: 3102936). This variant is only observed on two alleles in the Genome Aggregation Database (v2.1.1), indicating it is not a common polymorphism. Computational analyses predict that this variant is neutral (REVEL: 0.09). Due to limited information, the clinical significance of this variant is uncertain at this time.

Ambry Genetics
Classification: Uncertain significance. Last evaluated: 2023-12-15. Review status: criteria provided, single submitter. Criteria: Ambry Variant Classification Scheme 2023. Collection method: clinical testing. Allele origin: germline.

NM_000637.5(GSR):c.47G>T (p.Trp16Leu)

Genes: GSR (glutathione-disulfide reductase; minus strand), LOC130000170 (ATAC-STARR-seq lymphoblastoid silent region 19083; plus strand). Cytogenetic location: 8p12.
Variant type: single nucleotide variant.
Coding change: c.47G>T on transcript NM_000637.5 (MANE Select); coding-DNA position 47, G replaced by T.
Protein change: p.Trp16Leu; replaces tryptophan 16 with leucine.
Molecular consequence: missense variant.
Genome position (GRCh38, 1-based): chr8:30,727,789, C>A on the plus strand (G>T on the coding strand, the complement: GSR is on the minus strand). VCF-style: chr8-30727789-C-A. GRCh37 (hg19) VCF-style: chr8-30585306-C-A.
Other names: c.47G>T, p.Trp16Leu (NM_001195102.3, NM_001195103.3, NM_001195104.3); short protein forms W16L.
Identifiers: ClinVar variation 3102936 (VCV003102936.2), dbSNP rs952867737, ClinGen allele CA174826601.